The following is an entry in ClinVar:

ClinVar aggregate classification (germline): Uncertain significance (1 of 4 stars; one submission).

Conditions:
GRIK2-related disorder. Also called: GRIK2-related condition.

Submission:

PreventionGenetics, part of Exact Sciences
Classification: Uncertain significance for GRIK2-related condition. Last evaluated: 2023-09-15. Review status: criteria provided, single submitter. Criteria: ACMG Guidelines, 2015. Collection method: clinical testing. Allele origin: germline.
Comment: The GRIK2 c.1055C>G variant is predicted to result in the amino acid substitution p.Pro352Arg. To our knowledge, this variant has not been reported in the literature or in a large population database, indicating this variant is rare. At this time, the clinical significance of this variant is uncertain due to the absence of conclusive functional and genetic evidence.

NM_021956.5(GRIK2):c.1055C>G (p.Pro352Arg)

Gene: GRIK2 (glutamate ionotropic receptor kainate type subunit 2; plus strand). Cytogenetic location: 6q16.3.
Variant type: single nucleotide variant.
Coding change: c.1055C>G on transcript NM_021956.5 (MANE Select); coding-DNA position 1055, C replaced by G.
Protein change: p.Pro352Arg; replaces proline 352 with arginine.
Molecular consequence: missense variant.
Genome position (GRCh38, 1-based): chr6:101,799,751, C>G. VCF-style: chr6-101799751-C-G. GRCh37 (hg19) VCF-style: chr6-102247626-C-G.
Other names: c.1055C>G, p.Pro352Arg (NM_001166247.1, NM_175768.3); short protein forms P352R.
Identifiers: ClinVar variation 2631016 (VCV002631016.1), dbSNP rs2484055511, ClinGen allele CA365305723.